The following is an entry in ClinVar:

ClinVar aggregate classification (germline): Likely benign (1 of 4 stars; one submission).

Allele frequency attached by ClinVar (database versions not stated): gnomAD exomes 0.00001; gnomAD 0.00002; TOPMed 0.00002; ExAC 0.00004.

Submission:

CeGaT Center for Human Genetics Tuebingen
Classification: Likely benign. Last evaluated: 2023-04-01. Review status: criteria provided, single submitter. Criteria: CeGaT Center For Human Genetics Tuebingen Variant Classification Criteria Version 2. Collection method: clinical testing. Allele origin: germline. Affected: yes. Observed: 1 variant allele.
Comment: TSPOAP1: BP4, BP7

NM_004758.4(TSPOAP1):c.5343C>T (p.Ser1781=)

Gene: TSPOAP1 (TSPO associated protein 1; minus strand). Cytogenetic location: 17q22.
Variant type: single nucleotide variant.
Coding change: c.5343C>T on transcript NM_004758.4 (MANE Select); coding-DNA position 5343, C replaced by T.
Protein change: p.Ser1781=; no amino-acid change (serine 1781 retained).
Molecular consequence: synonymous variant.
Genome position (GRCh38, 1-based): chr17:58,305,558, G>A on the plus strand (C>T on the coding strand, the complement: TSPOAP1 is on the minus strand). VCF-style: chr17-58305558-G-A. GRCh37 (hg19) VCF-style: chr17-56382919-G-A.
Other names: c.5316C>T, p.Ser1772= (NM_001261835.2); c.5163C>T, p.Ser1721= (NM_024418.3).
Identifiers: ClinVar variation 2647957 (VCV002647957.24), dbSNP rs747124895, ClinGen allele CA8671295.